The following is an entry in ClinVar:

NM_000088.4(COL1A1):c.419_420delinsCC (p.Leu140Pro)

Gene: COL1A1 (collagen type I alpha 1 chain; minus strand). Cytogenetic location: 17q21.33.
Variant type: Indel.
Coding change: c.419_420delinsCC on transcript NM_000088.4 (MANE Select); coding-DNA positions 419 to 420, TT replaced by CC.
Protein change: p.Leu140Pro; replaces leucine 140 with proline.
Molecular consequence: missense variant.
Genome position (GRCh38, 1-based): chr17:50,199,277-50,199,278, AA replaced by GG on the plus strand (TT replaced by CC on the coding strand, the reverse complement: COL1A1 is on the minus strand). VCF-style: chr17-50199277-AA-GG. GRCh37 (hg19) VCF-style: chr17-48276638-AA-GG.
Other names: c.419_420delTTinsCC (NM_000088.3); short protein forms L140P.
Identifiers: ClinVar variation 456787 (VCV000456787.7), dbSNP rs1555575068, ClinGen allele CA658656725.

ClinVar aggregate classification (germline): Uncertain significance (1 of 4 stars; one submission).

Conditions:
Osteogenesis imperfecta type I (OI1). Also called: OI, TYPE I; OSTEOGENESIS IMPERFECTA TARDA; OSTEOGENESIS IMPERFECTA WITH BLUE SCLERAE; Osteogenesis imperfecta type 1; Lobstein's Disease; Lobstein disease. Identifiers: Orphanet 216796, Orphanet 666, MedGen C0023931, MONDO:0008146, OMIM 166200. Disease mechanism: loss of function.

Submission:

Labcorp Genetics (formerly Invitae), Labcorp
Classification: Uncertain significance for Osteogenesis imperfecta type I. Last evaluated: 2024-04-15. Review status: criteria provided, single submitter. Criteria: Invitae Variant Classification Sherloc (09022015). Collection method: clinical testing. Allele origin: germline.
Comment: This sequence change replaces leucine, which is neutral and non-polar, with proline, which is neutral and non-polar, at codon 140 of the COL1A1 protein (p.Leu140Pro). Information on the frequency of this variant in the gnomAD database is not available, as this variant may be reported differently in the database. This variant has not been reported in the literature in individuals affected with COL1A1-related conditions. ClinVar contains an entry for this variant (Variation ID: 456787). Experimental studies and prediction algorithms are not available or were not evaluated, and the functional significance of this variant is currently unknown. In summary, the available evidence is currently insufficient to determine the role of this variant in disease. Therefore, it has been classified as a Variant of Uncertain Significance.